The following is an entry in ClinVar:

NM_000051.4(ATM):c.3208G>A (p.Val1070Ile)

Gene: ATM (ATM serine/threonine kinase; plus strand). Cytogenetic location: 11q22.3.
Variant type: single nucleotide variant.
Coding change: c.3208G>A on transcript NM_000051.4 (MANE Select); coding-DNA position 3208, G replaced by A.
Protein change: p.Val1070Ile; replaces valine 1070 with isoleucine.
Molecular consequence: missense variant.
Genome position (GRCh38, 1-based): chr11:108,272,776, G>A. VCF-style: chr11-108272776-G-A. GRCh37 (hg19) VCF-style: chr11-108143503-G-A.
Other names: c.3208G>A, p.Val1070Ile (NM_001351834.2); short protein forms V1070I.
Identifiers: ClinVar variation 135749 (VCV000135749.15), dbSNP rs587780620, ClinGen allele CA332330.

ClinVar aggregate classification (germline): Uncertain significance. Review status: criteria provided, multiple submitters, no conflicts (2 of 4 stars). 4 submissions from 4 submitters: Uncertain significance (4). Last evaluated 2025-05-20.

Conditions:
Hereditary cancer-predisposing syndrome. Also called: Tumor predisposition; Hereditary neoplastic syndrome; Neoplastic Syndromes, Hereditary; Hereditary Cancer Syndrome. Identifiers: Orphanet 140162, MedGen C0027672, MeSH D009386, MONDO:0015356.
Ataxia-telangiectasia syndrome (AT). Also called: Cerebello-oculocutaneous telangiectasia; Immunodeficiency with ataxia telangiectasia; ATAXIA-TELANGIECTASIA, COMPLEMENTATION GROUP A; ATAXIA-TELANGIECTASIA, FRESNO VARIANT; Ataxia-telangiectasia; Ataxia-telangiectasia, complementation group D. Identifiers: Orphanet 100, MedGen C0004135, MONDO:0008840, OMIM 208900.

Allele frequency attached by ClinVar (database versions not stated): gnomAD exomes 0.00001.
gnomAD v4.1: 14 of 1,613,982 alleles (0.00087%); highest among the groups gnomAD compares: Non-Finnish European, 0.001%; no homozygotes.

Submissions (4):

Ambry Genetics
Classification: Uncertain significance for Hereditary cancer-predisposing syndrome. Last evaluated: 2025-05-20. Review status: criteria provided, single submitter. Criteria: Ambry Variant Classification Scheme 2023. Collection method: clinical testing. Allele origin: germline.
Comment: The p.V1070I variant (also known as c.3208G>A), located in coding exon 21 of the ATM gene, results from a G to A substitution at nucleotide position 3208. The valine at codon 1070 is replaced by isoleucine, an amino acid with highly similar properties. In one study, this alteration was detected in 1/118 patients with pancreatic ductal adenocarcinoma (PDAC) (Lovecek M et al. Cancer Manag Res, 2019 Jan;11:599-609). This variant was also reported in 1/5560 prostate cancer cases and in 0/3353 controls of European ancestry (Karlsson Q et al. Eur Urol Oncol, 2021 Aug;4:570-579). This amino acid position is highly conserved in available vertebrate species. In addition, this alteration is predicted to be tolerated by in silico analysis. Based on the available evidence, the clinical significance of this variant remains unclear.

Labcorp Genetics (formerly Invitae), Labcorp
Classification: Uncertain significance for Ataxia-telangiectasia syndrome. Last evaluated: 2025-01-29. Review status: criteria provided, single submitter. Criteria: Invitae Variant Classification Sherloc (09022015). Collection method: clinical testing. Allele origin: germline.
Comment: This sequence change replaces valine, which is neutral and non-polar, with isoleucine, which is neutral and non-polar, at codon 1070 of the ATM protein (p.Val1070Ile). This variant is not present in population databases (gnomAD no frequency). This missense change has been observed in individual(s) with pancreatic cancer and/or prostate cancer (PMID: 30666157, 33436325). ClinVar contains an entry for this variant (Variation ID: 135749). Invitae Evidence Modeling of protein sequence and biophysical properties (such as structural, functional, and spatial information, amino acid conservation, physicochemical variation, residue mobility, and thermodynamic stability) indicates that this missense variant is not expected to disrupt ATM protein function with a negative predictive value of 95%. In summary, the available evidence is currently insufficient to determine the role of this variant in disease. Therefore, it has been classified as a Variant of Uncertain Significance.

Women's Health and Genetics/Laboratory Corporation of America, LabCorp
Classification: Uncertain significance. Last evaluated: 2023-04-25. Review status: criteria provided, single submitter. Criteria: LabCorp Variant Classification Summary - May 2015. Collection method: clinical testing. Allele origin: germline.
Comment: Variant summary: ATM c.3208G>A (p.Val1070Ile) results in a conservative amino acid change in the encoded protein sequence. Three of five in-silico tools predict a benign effect of the variant on protein function. The variant was absent in 251360 control chromosomes. The available data on variant occurrences in the general population are insufficient to allow any conclusion about variant significance. c.3208G>A has not been reported in the literature in individuals affected with Ataxia-Telangiectasia, but has been reported as a VUS in individuals with pancreatic ductal adenocarcinoma and prostate cancer (examples: Lovecek_2019, Karlsson_2021). These report(s) do not provide unequivocal conclusions about association of the variant with Ataxia-Telangiectasia. To our knowledge, no experimental evidence demonstrating an impact on protein function has been reported. The following publications have been ascertained in the context of this evaluation (PMID: 33436325, 30666157). Two clinical diagnostic laboratories have submitted clinical-significance assessments for this variant to ClinVar after 2014 without evidence for independent evaluation, classifying the variant as uncertain significance (n=2). Based on the evidence outlined above, the variant was classified as uncertain significance.

Blueprint Genetics
Classification: Uncertain significance. Last evaluated: 2023-01-26. Review status: criteria provided, single submitter. Criteria: ACMG Guidelines, 2015. Collection method: clinical testing. Allele origin: germline.

Literature cited by the submitters: PubMed 30666157 (cited by 3 submitters); PubMed 33436325 (cited by 3 submitters).